The following is an entry in ClinVar:

NM_002936.6(RNASEH1):c.258A>G (p.Gln86=)

Gene: RNASEH1 (ribonuclease H1; minus strand). Cytogenetic location: 2p25.3.
Variant type: single nucleotide variant.
Coding change: c.258A>G on transcript NM_002936.6 (MANE Select); coding-DNA position 258, A replaced by G.
Protein change: p.Gln86=; no amino-acid change (glutamine 86 retained).
Molecular consequence: synonymous variant. On other transcripts: 5 prime UTR variant (1), non-coding transcript variant (7).
Genome position (GRCh38, 1-based): chr2:3,552,295, T>C on the plus strand (A>G on the coding strand, the complement: RNASEH1 is on the minus strand). VCF-style: chr2-3552295-T-C. GRCh37 (hg19) VCF-style: chr2-3599885-T-C.
Other names: p.Gln86=; c.180A>G, p.Gln60= (NM_001286834.3); c.-94A>G (NM_001286837.3); c.258A>G, p.Gln86= (NM_001378271.1, NM_001378272.1, NM_001378273.1); c.258A>G (NM_002936.5, NM_002936.4).
Identifiers: ClinVar variation 2044139 (VCV002044139.30), dbSNP rs535382976, ClinGen allele CA1516354.
Genomic context (GRCh38, chr2:3,552,295, plus strand): 5'-ATCTCCATCCAGTGGCTCACGGAGTCGCTTGCTGGCTTTCGCCTCCGATTCTTGTCCATG[T>C]TGATTTTCATGCCCTGAAAGACAAGAGTCCACTCGTGAGCTGGAAACAATGAACATAACA-3'
Protein context (NP_002927.2, residues 76-96): SPEVSEGHEN[Gln86=]HGQESEAKAS

ClinVar aggregate classification (germline): Benign/Likely benign. Review status: criteria provided, multiple submitters, no conflicts (2 of 4 stars). 4 submissions from 4 submitters: Benign (1); Likely benign (2). 1 of the submissions does not count toward it. Last evaluated 2026-01-21.

Conditions:
RNASEH1-related disorder. Also called: RNASEH1-related condition.

Allele frequency attached by ClinVar (database versions not stated): TOPMed 0.00003; gnomAD 0.00015; 1000 Genomes Project 30x 0.00016; 1000 Genomes Project 0.00020; gnomAD exomes 0.00041; ExAC 0.00096.
gnomAD v4.1: 619 of 1,612,886 alleles (0.038%); highest among the groups gnomAD compares: South Asian, 0.65%; 8 homozygotes.

Submissions (4):

Labcorp Genetics (formerly Invitae), Labcorp
Classification: Benign. Last evaluated: 2026-01-21. Review status: criteria provided, single submitter. Criteria: Invitae Variant Classification Sherloc (09022015). Collection method: clinical testing. Allele origin: germline.

Mayo Clinic Laboratories, Mayo Clinic
Classification: Likely benign. Last evaluated: 2025-10-12. Review status: criteria provided, single submitter. Criteria: ACMG Guidelines, 2015. Collection method: clinical testing. Allele origin: germline. Observed: 1 variant allele.
Comment: BS2, BP4, BP7

CeGaT Center for Human Genetics Tuebingen
Classification: Likely benign. Last evaluated: 2023-07-01. Review status: criteria provided, single submitter. Criteria: CeGaT Center For Human Genetics Tuebingen Variant Classification Criteria Version 2. Collection method: clinical testing. Allele origin: germline. Affected: yes. Observed: 1 variant allele.
Comment: RNASEH1: BP4, BP7, BS2

PreventionGenetics, part of Exact Sciences
Classification: Likely benign for RNASEH1-related condition. Last evaluated: 2019-02-20. Review status: no assertion criteria provided. Collection method: clinical testing. Allele origin: germline. Not counted in ClinVar's aggregate classification.
Comment: This variant is classified as likely benign based on ACMG/AMP sequence variant interpretation guidelines (Richards et al. 2015 PMID: 25741868, with internal and published modifications).